The following is an entry in ClinVar:

ClinVar aggregate classification (germline): Uncertain significance (1 of 4 stars; one submission).

Conditions:
Hereditary cancer-predisposing syndrome. Also called: Neoplastic Syndromes, Hereditary; Tumor predisposition; Hereditary Cancer Syndrome; Hereditary neoplastic syndrome. Identifiers: Orphanet 140162, MedGen C0027672, MeSH D009386, MONDO:0015356.

Submission:

Ambry Genetics
Classification: Uncertain significance for Hereditary cancer-predisposing syndrome. Last evaluated: 2022-10-21. Review status: criteria provided, single submitter. Criteria: Ambry Variant Classification Scheme 2023. Collection method: clinical testing. Allele origin: germline.
Comment: The p.W111L variant (also known as c.332G>T), located in coding exon 1 of the AXIN2 gene, results from a G to T substitution at nucleotide position 332. The tryptophan at codon 111 is replaced by leucine, an amino acid with similar properties. This amino acid position is conserved. In addition, the in silico prediction for this alteration is inconclusive. Since supporting evidence is limited at this time, the clinical significance of this alteration remains unclear.

NM_004655.4(AXIN2):c.332G>T (p.Trp111Leu)

Gene: AXIN2 (axin 2; minus strand). Cytogenetic location: 17q24.1.
Variant type: single nucleotide variant.
Coding change: c.332G>T on transcript NM_004655.4 (MANE Select); coding-DNA position 332, G replaced by T.
Protein change: p.Trp111Leu; replaces tryptophan 111 with leucine.
Molecular consequence: missense variant.
Genome position (GRCh38, 1-based): chr17:65,558,289, C>A on the plus strand (G>T on the coding strand, the complement: AXIN2 is on the minus strand). VCF-style: chr17-65558289-C-A. GRCh37 (hg19) VCF-style: chr17-63554407-C-A.
Other names: c.332G>T, p.Trp111Leu (NM_001363813.1); short protein forms W111L.
Identifiers: ClinVar variation 1730303 (VCV001730303.2), dbSNP rs2144587770, ClinGen allele CA400681630.
Genomic context (GRCh38, chr17:65,558,289, plus strand): 5'-GCTACTCGTAAAGTTTTGGTATCCTTCAGGTTCATCTGCCTGAATCCATTGCAGGCAAAC[C>A]AGAAGTCTAAGGTATCCACGCATTTCTCCCTCTCCAGGAAAGTTCGGAACAGGTAAGCAC-3'
Protein context (NP_004646.3, residues 101-121): REKCVDTLDF[Trp111Leu]FACNGFRQMN